The following is an entry in ClinVar:

ClinVar aggregate classification (germline): Likely benign (0 of 4 stars; one submission).

Conditions:
CACNA1G-related disorder. Also called: CACNA1G-related disorders; CACNA1G-related condition.

Allele frequency attached by ClinVar (database versions not stated): gnomAD exomes 0.00001; ExAC 0.00002; ESP Exome Variant Server 0.00008; gnomAD 0.00009; TOPMed 0.00011.
gnomAD v4.1: 24 of 1,613,894 alleles (0.0015%); highest among the groups gnomAD compares: African/African-American, 0.027%; no homozygotes.

Submission:

PreventionGenetics, part of Exact Sciences
Classification: Likely benign for CACNA1G-related condition. Last evaluated: 2019-07-30. Review status: no assertion criteria provided. Collection method: clinical testing. Allele origin: germline.
Comment: This variant is classified as likely benign based on ACMG/AMP sequence variant interpretation guidelines (Richards et al. 2015 PMID: 25741868, with internal and published modifications).

NM_018896.5(CACNA1G):c.3816C>T (p.Ile1272=)

Gene: CACNA1G (calcium voltage-gated channel subunit alpha1 G; plus strand). Cytogenetic location: 17q21.33.
Variant type: single nucleotide variant.
Coding change: c.3816C>T on transcript NM_018896.5 (MANE Select); coding-DNA position 3816, C replaced by T.
Protein change: p.Ile1272=; no amino-acid change (isoleucine 1272 retained).
Molecular consequence: synonymous variant. On other transcripts: non-coding transcript variant (5).
Genome position (GRCh38, 1-based): chr17:50,601,075, C>T. VCF-style: chr17-50601075-C-T. GRCh37 (hg19) VCF-style: chr17-48678436-C-T.
Other names: c.3816C>T, p.Ile1272= (NM_001256324.2, NM_001256325.2, NM_001256326.2 and 16 more transcripts); c.3747C>T, p.Ile1249= (NM_001256332.2, NM_198376.3, NM_198379.3 and 5 more transcripts).
Identifiers: ClinVar variation 3034778 (VCV003034778.2), dbSNP rs370576624, ClinGen allele CA8652859.
Genomic context (GRCh38, chr17:50,601,075, plus strand): 5'-CTCCCCCTCTCAGCCGTTGCCTCCATGCCTGGGCAGGTTCCGCCTCCTGTGTCACCGGAT[C>T]ATCACCCACAAGATGTTCGACCACGTGGTCCTTGTCATCATCTTCCTTAACTGCATCACC-3'
Protein context (NP_061496.2, residues 1262-1282): QSRFRLLCHR[Ile1272=]ITHKMFDHVV